The following is an entry in ClinVar:

ClinVar aggregate classification (germline): Benign/Likely benign. Review status: criteria provided, multiple submitters, no conflicts (2 of 4 stars). 3 submissions from 3 submitters: Benign (2); Likely benign (1). Last evaluated 2026-01-26.

Conditions:
Papillary renal cell carcinoma type 1 (RCCP1). Also called: RENAL CELL CARCINOMA, PAPILLARY, 1, SOMATIC; Renal adenocarcinoma; Renal cell carcinoma 1; Renal cell carcinoma, somatic. Identifiers: Orphanet 47044, MedGen C1336839, OMIM 605074, HP:0011797.
Renal cell carcinoma. Identifiers: Orphanet 217071, MedGen C0007134, MeSH D002292, MONDO:0005086, HP:0005584.

Allele frequency attached by ClinVar (database versions not stated): gnomAD 0.00002 and 0.00033; TOPMed 0.00005; gnomAD exomes 0.00042 and 0.00076; ExAC 0.00094; 1000 Genomes Project 30x 0.00297; 1000 Genomes Project 0.00339.
gnomAD v4.1: 660 of 1,613,024 alleles (0.041%); highest among the groups gnomAD compares: South Asian, 0.69%; 14 homozygotes.

Submissions (3):

Labcorp Genetics (formerly Invitae), Labcorp
Classification: Benign for Renal cell carcinoma. Last evaluated: 2026-01-26. Review status: criteria provided, single submitter. Criteria: Invitae Variant Classification Sherloc (09022015). Collection method: clinical testing. Allele origin: germline.

KCCC/NGS Laboratory, Kuwait Cancer Control Center
Classification: Likely benign for Papillary renal cell carcinoma type 1. Last evaluated: 2023-07-07. Review status: criteria provided, single submitter. Criteria: ACMG Guidelines, 2015. Collection method: clinical testing. Allele origin: germline. Affected: yes.

Illumina Laboratory Services, Illumina
Classification: Benign for Papillary renal cell carcinoma type 1. Last evaluated: 2018-01-13. Review status: criteria provided, single submitter. Criteria: ICSL Variant Classification Criteria 13 December 2019. Collection method: clinical testing. Allele origin: germline.
Comment: This variant was observed in the ICSL laboratory as part of a predisposition screen in an ostensibly healthy population. It had not been previously curated by ICSL or reported in the Human Gene Mutation Database (HGMD: prior to June 1st, 2018), and was therefore a candidate for classification through an automated scoring system. Utilizing variant allele frequency, disease prevalence and penetrance estimates, and inheritance mode, an automated score was calculated to assess if this variant is too frequent to cause the disease. Based on the score and internal cut-off values, a variant classified as benign is not then subjected to further curation. The score for this variant resulted in a classification of benign for this disease.

NM_000245.4(MET):c.1965+14T>C

Gene: MET (MET proto-oncogene, receptor tyrosine kinase; plus strand). Cytogenetic location: 7q31.2.
Variant type: single nucleotide variant.
Coding change: c.1965+14T>C on transcript NM_000245.4 (MANE Select); 14 bases into the intron after coding-DNA position 1965, T replaced by C.
Molecular consequence: intron variant.
Genome position (GRCh38, 1-based): chr7:116,757,553, T>C. VCF-style: chr7-116757553-T-C. GRCh37 (hg19) VCF-style: chr7-116397607-T-C.
Other names: c.1965+14T>C (NM_001127500.3, NM_001324401.3, NM_001127500.2); c.675+14T>C (NM_001324402.2).
Identifiers: ClinVar variation 358689 (VCV000358689.13), dbSNP rs543293293, ClinGen allele CA4448334.
Genomic context (GRCh38, chr7:116,757,553, plus strand): 5'-TTTCAAATGGCCACGGGACAACACAATACAGTACATTCTCCTATGTGGTAAGGAAGATTC[T>C]ATCCTATCATGTTTGATTTTTACTTAATCTATTTAAATTATAAGATGAACAAGTTACTTT-3'